The following is an entry in ClinVar:

NM_000163.5(GHR):c.311A>G (p.Tyr104Cys)

Gene: GHR (growth hormone receptor; plus strand). Cytogenetic location: 5p12.
Variant type: single nucleotide variant.
Coding change: c.311A>G on transcript NM_000163.5 (MANE Select); coding-DNA position 311, A replaced by G.
Protein change: p.Tyr104Cys; replaces tyrosine 104 with cysteine.
Molecular consequence: missense variant.
Genome position (GRCh38, 1-based): chr5:42,694,961, A>G. VCF-style: chr5-42694961-A-G. GRCh37 (hg19) VCF-style: chr5-42695063-A-G.
Other names: c.332A>G, p.Tyr111Cys (NM_001242399.2); c.311A>G, p.Tyr104Cys (NM_001242400.2, NM_001242401.4, NM_001242402.2 and 5 more transcripts); c.245A>G, p.Tyr82Cys (NM_001242460.2); short protein forms Y104C, Y82C, Y111C.
Identifiers: ClinVar variation 2585637 (VCV002585637.1), dbSNP rs1757600477, ClinGen allele CA359695087.

ClinVar aggregate classification (germline): Uncertain significance (1 of 4 stars; one submission).

Conditions:
Laron-type isolated somatotropin defect. Also called: Growth hormone binding protein deficiency or dysfunction; Growth hormone receptor deficiency or dysfunction; Laron dwarfism; Laron type pituitary dwarfism I; Laron Syndrome; GROWTH HORMONE RECEPTOR DEFICIENCY. Identifiers: Orphanet 633, MedGen C0271568, MONDO:0009877, OMIM 262500.

Submission:

Neuberg Centre For Genomic Medicine, NCGM
Classification: Uncertain significance for Laron-type isolated somatotropin defect. Review status: criteria provided, single submitter. Criteria: ACMG Guidelines, 2015. Collection method: clinical testing. Allele origin: germline. Inheritance: Autosomal recessive inheritance. Affected: yes.
Comment: The missense variant c.311A>G (p.Tyr104Cys) in GHR gene has not been reported previously as a pathogenic variant nor as a benign variant, to our knowledge. The p.Tyr104Cys variant is novel (not in any individuals) in gnomAD Exomes and 1000 Genomes. The amino acid Tyr at position 104 is changed to a Cys changing protein sequence and it might alter its composition and physico-chemical properties. The amino acid change p.Tyr104Cys in GHR is predicted as conserved by GERP++ and PhyloP across 100 vertebrates. For these reasons, this variant has been classified as Uncertain Significance.